The following is an entry in ClinVar:

NM_001042492.3(NF1):c.7091G>A (p.Arg2364Gln)

Gene: NF1 (neurofibromin 1; plus strand). Cytogenetic location: 17q11.2.
Variant type: single nucleotide variant.
Coding change: c.7091G>A on transcript NM_001042492.3 (MANE Select); coding-DNA position 7091, G replaced by A.
Protein change: p.Arg2364Gln; replaces arginine 2364 with glutamine.
Molecular consequence: missense variant.
Genome position (GRCh38, 1-based): chr17:31,343,037, G>A. VCF-style: chr17-31343037-G-A. GRCh37 (hg19) VCF-style: chr17-29670055-G-A.
Other names: c.7028G>A, p.Arg2343Gln (NM_000267.4); short protein forms R2343Q, R2364Q.
Identifiers: ClinVar variation 527518 (VCV000527518.17), dbSNP rs1555535407, ClinGen allele CA399015562.

ClinVar aggregate classification (germline): Conflicting classifications of pathogenicity. Review status: criteria provided, conflicting classifications (1 of 4 stars). 6 submissions from 6 submitters: Uncertain significance (5); Likely benign (1). Last evaluated 2025-12-04.

Conditions:
Cardiovascular phenotype. Identifiers: MedGen CN230736.
Hereditary cancer-predisposing syndrome. Also called: Neoplastic Syndromes, Hereditary; Tumor predisposition; Hereditary neoplastic syndrome; Hereditary Cancer Syndrome. Identifiers: Orphanet 140162, MedGen C0027672, MeSH D009386, MONDO:0015356.
Neurofibromatosis, type 1 (NF1). Also called: VON RECKLINGHAUSEN DISEASE; NEUROFIBROMATOSIS, TYPE I, SOMATIC; Peripheral type neurofibromatosis; Neurofibromatosis, type I. Identifiers: Orphanet 636, MedGen C0027831, MONDO:0018975, OMIM 162200. Disease mechanism: loss of function.

Allele frequency attached by ClinVar (database versions not stated): gnomAD exomes below 0.00001; gnomAD 0.00001.
gnomAD v4.1: 6 of 1,613,860 alleles (0.00037%); highest among the groups gnomAD compares: Non-Finnish European, 0.00051%; no homozygotes.

Submissions (6):

Ambry Genetics
Classification: Uncertain significance for Cardiovascular phenotype; Hereditary cancer-predisposing syndrome. Last evaluated: 2025-12-04. Review status: criteria provided, single submitter. Criteria: Ambry Variant Classification Scheme 2023. Collection method: clinical testing. Allele origin: germline.
Comment: The p.R2343Q variant (also known as c.7028G>A), located in coding exon 47 of the NF1 gene, results from a G to A substitution at nucleotide position 7028. The arginine at codon 2343 is replaced by glutamine, an amino acid with highly similar properties. This alteration was observed with an allele frequency of 0 in 7,051 unselected female breast cancer patients and was observed with an allele frequency of 0.00009 in 11,241 female controls of Japanese ancestry (Momozawa Y et al. Nat Commun, 2018 10;9:4083). This alteration was also detected in a cohort of 1663 Brazilian breast cancer patients who underwent hereditary multigene panel testing (Guindalini RSC et al. Sci Rep, 2022 Mar;12:4190). This amino acid position is highly conserved in available vertebrate species. In addition, the in silico prediction for this alteration is inconclusive. Since supporting evidence is limited at this time, the clinical significance of this alteration remains unclear.

Quest Diagnostics Nichols Institute San Juan Capistrano
Classification: Uncertain significance. Last evaluated: 2025-04-08. Review status: criteria provided, single submitter. Criteria: Quest Diagnostics criteria. Collection method: clinical testing. Allele origin: unknown.

Labcorp Genetics (formerly Invitae), Labcorp
Classification: Likely benign for Neurofibromatosis, type 1. Last evaluated: 2024-05-02. Review status: criteria provided, single submitter. Criteria: Invitae Variant Classification Sherloc (09022015). Collection method: clinical testing. Allele origin: germline.

Genome-Nilou Lab
Classification: Uncertain significance for Neurofibromatosis, type 1. Last evaluated: 2022-03-15. Review status: criteria provided, single submitter. Criteria: ACMG Guidelines, 2015. Collection method: clinical testing. Allele origin: germline. Affected: no.

GeneDx
Classification: Uncertain significance. Last evaluated: 2021-06-25. Review status: criteria provided, single submitter. Criteria: GeneDx Variant Classification Process June 2021. Collection method: clinical testing. Allele origin: germline. Affected: yes.
Comment: In silico analysis supports that this missense variant has a deleterious effect on protein structure/function; Absent from cases but observed in controls in a breast cancer case-control study (Momozawa 2018); This variant is associated with the following publications: (PMID: 27535533, 30287823)

Mendelics
Classification: Uncertain significance for Neurofibromatosis, type 1. Last evaluated: 2018-07-02. Review status: criteria provided, single submitter. Criteria: Mendelics Assertion Criteria 2017. Collection method: clinical testing. Allele origin: unknown.

Literature cited by the submitters: PubMed 30287823 (cited by Ambry Genetics); PubMed 35264596 (cited by Ambry Genetics).